The following is an entry in ClinVar:

NM_001130965.3(SUN1):c.47C>G (p.Pro16Arg)

Genes: SUN1 (Sad1 and UNC84 domain containing 1; plus strand), LOC126859921 (P300/CBP strongly-dependent group 1 enhancer GRCh37_chr7:871666-872865; plus strand). Cytogenetic location: 7p22.3.
Variant type: single nucleotide variant.
Coding change: c.47C>G on transcript NM_001130965.3 (MANE Select); coding-DNA position 47, C replaced by G.
Protein change: p.Pro16Arg; replaces proline 16 with arginine.
Molecular consequence: missense variant. On other transcripts: non-coding transcript variant (3), intron variant (30), 5 prime UTR variant (1).
Genome position (GRCh38, 1-based): chr7:832,571, C>G. VCF-style: chr7-832571-C-G. GRCh37 (hg19) VCF-style: chr7-872208-C-G.
Other names: c.297-6227C>G (NM_001367651.1); c.-73-6227C>G (NM_001367666.1, NM_001367655.1, NM_001367691.1 and 24 more transcripts); c.-684-6227C>G (NM_001367658.1); c.-301-9375C>G (NM_001367639.1); c.47C>G, p.Pro16Arg (NM_001171944.2, NM_001171946.2, NM_001367633.1 and 35 more transcripts); c.110C>G, p.Pro37Arg (NM_001171945.2); c.-411C>G (NM_001367635.1); short protein forms P37R, P16R.
Identifiers: ClinVar variation 4769297 (VCV004769297.1).
Genomic context (GRCh38, chr7:832,571, plus strand): 5'-TTGAAGTGGTGAACATGGATTTTTCTCGGCTTCACATGTACAGTCCTCCCCAGTGTGTGC[C>G]GGAGAACACGGGCTACACGTATGCGCTCAGGTGAGTGTGCACCTGCACGTGGGGTCCTGG-3'
Protein context (NP_001124437.1, residues 6-26): LHMYSPPQCV[Pro16Arg]ENTGYTYALS

ClinVar aggregate classification (germline): Uncertain significance (1 of 4 stars; one submission).

Conditions:
Emery-Dreifuss muscular dystrophy (EDMD). Also called: Scapuloperoneal syndrome, X-linked (formerly); Humeroperoneal neuromuscular disease, (formerly). Identifiers: Orphanet 261, MedGen C0410189, MONDO:0016830.

gnomAD v4.1: 6 of 1,612,744 alleles (0.00037%); highest among the groups gnomAD compares: Non-Finnish European, 0.00051%; no homozygotes.

Submission:

Labcorp Genetics (formerly Invitae), Labcorp
Classification: Uncertain significance for Emery-Dreifuss muscular dystrophy. Last evaluated: 2025-09-11. Review status: criteria provided, single submitter. Criteria: Invitae Variant Classification Sherloc (09022015). Collection method: clinical testing. Allele origin: germline.
Comment: This sequence change replaces proline, which is neutral and non-polar, with arginine, which is basic and polar, at codon 16 of the SUN1 protein (p.Pro16Arg). This variant is not present in population databases (gnomAD no frequency). This variant has not been reported in the literature in individuals affected with SUN1-related conditions. An algorithm developed to predict the effect of missense changes on protein structure and function (PolyPhen-2) suggests that this variant is likely to be disruptive. In summary, the available evidence is currently insufficient to determine the role of this variant in disease. Therefore, it has been classified as a Variant of Uncertain Significance.